The following is an entry in ClinVar:

NM_170784.3(MKKS):c.505A>G (p.Lys169Glu)

Gene: MKKS (MKKS centrosomal shuttling protein; minus strand). Cytogenetic location: 20p12.2.
Variant type: single nucleotide variant.
Coding change: c.505A>G on transcript NM_170784.3 (MANE Select); coding-DNA position 505, A replaced by G.
Protein change: p.Lys169Glu; replaces lysine 169 with glutamic acid.
Molecular consequence: missense variant.
Genome position (GRCh38, 1-based): chr20:10,413,010, T>C on the plus strand (A>G on the coding strand, the complement: MKKS is on the minus strand). VCF-style: chr20-10413010-T-C. GRCh37 (hg19) VCF-style: chr20-10393658-T-C.
Other names: c.505A>G, p.Lys169Glu (NM_018848.3); short protein forms K169E.
Identifiers: ClinVar variation 4994159 (VCV004994159.1).

ClinVar aggregate classification (germline): Uncertain significance (1 of 4 stars; one submission).

Conditions:
MKKS-related disorder. Also called: MKKS-related disorders; MKKS-related condition.

Submission:

PreventionGenetics, part of Exact Sciences
Classification: Uncertain significance for MKKS-related condition. Last evaluated: 2026-01-22. Review status: criteria provided, single submitter. Criteria: ACMG Guidelines, 2015. Collection method: clinical testing. Allele origin: germline.
Comment: The MKKS c.505A>G variant is predicted to result in the amino acid substitution p.Lys169Glu. To our knowledge, this variant has not been reported in the literature or in a large population database (gnomAD), indicating this variant is rare. At this time, the clinical significance of this variant is uncertain due to the absence of conclusive functional and genetic evidence.